The following is an entry in ClinVar:

NM_001267550.2(TTN):c.73914G>A (p.Glu24638=)

Genes: TTN (titin; minus strand), TTN-AS1 (TTN antisense RNA 1; plus strand). Cytogenetic location: 2q31.2.
Variant type: single nucleotide variant.
Coding change: c.73914G>A on transcript NM_001267550.2 (MANE Select); coding-DNA position 73914, G replaced by A.
Protein change: p.Glu24638=; no amino-acid change (glutamic acid 24638 retained).
Molecular consequence: synonymous variant.
Genome position (GRCh38, 1-based): chr2:178,572,218, C>T on the plus strand (G>A on the coding strand, the complement: TTN is on the minus strand). VCF-style: chr2-178572218-C-T. GRCh37 (hg19) VCF-style: chr2-179436945-C-T.
Other names: c.68991G>A, p.Glu22997= (NM_001256850.1); c.46719G>A, p.Glu15573= (NM_003319.4); c.66210G>A, p.Glu22070= (NM_133378.4); c.47094G>A, p.Glu15698= (NM_133432.3); c.47295G>A, p.Glu15765= (NM_133437.4).
Identifiers: ClinVar variation 196088 (VCV000196088.20), dbSNP rs376382707, ClinGen allele CA242877.
Genomic context (GRCh38, chr2:178,572,218, plus strand): 5'-TTTGGTCTGCATCTCCACAATGTAGCCTAGAATTCGGCTGCCTCCATCATGCTCTGGTTT[C>T]TCCCAAGAGAGTGACACACTATTTCTTGTGACATCCATCAAAGTTATTTTTCCTGGAGGA-3'
Protein context (NP_001254479.2, residues 24628-24648): VTRNSVSLSW[Glu24638=]KPEHDGGSRI

ClinVar aggregate classification (germline): Conflicting classifications of pathogenicity. Review status: criteria provided, conflicting classifications (1 of 4 stars). 5 submissions from 5 submitters: Uncertain significance (1); Likely benign (3). 1 of the submissions does not count toward it. Last evaluated 2026-09-21.

Conditions:
TTN-related disorder. Also called: TTN-related condition; TTN-related disease; TTN-related disorders.
Cardiovascular phenotype. Identifiers: MedGen CN230736.
Autosomal recessive limb-girdle muscular dystrophy type 2J (LGMDR10). Also called: MUSCULAR DYSTROPHY, LIMB-GIRDLE, AUTOSOMAL RECESSIVE 10; Limb-girdle muscular dystrophy, type 2J. Identifiers: Orphanet 140922, MedGen C1837342, MONDO:0012127, OMIM 608807.
Dilated cardiomyopathy 1G (CMD1G). Identifiers: Orphanet 154, MedGen C1858763, MONDO:0011400, OMIM 604145.

Allele frequency attached by ClinVar (database versions not stated): TOPMed 0.00004; ESP Exome Variant Server 0.00016; gnomAD 0.00005; gnomAD exomes 0.00001; ExAC 0.00003.
gnomAD v4.1: 31 of 1,613,328 alleles (0.0019%); highest among the groups gnomAD compares: Middle Eastern, 0.049%; no homozygotes.

Submissions (5):

Molecular Diagnostic Laboratory for Inherited Cardiovascular Disease, Montreal Heart Institute
Classification: Likely benign. Last evaluated: 2026-09-21. Review status: criteria provided, single submitter. Criteria: ACMG Guidelines, 2015. Collection method: clinical testing. Allele origin: germline. Affected: no.
Comment: BP7

Labcorp Genetics (formerly Invitae), Labcorp
Classification: Likely benign for Dilated cardiomyopathy 1G; Autosomal recessive limb-girdle muscular dystrophy type 2J. Last evaluated: 2026-01-27. Review status: criteria provided, single submitter. Criteria: Invitae Variant Classification Sherloc (09022015). Collection method: clinical testing. Allele origin: germline.

Ambry Genetics
Classification: Likely benign for Cardiovascular phenotype. Last evaluated: 2020-08-12. Review status: criteria provided, single submitter. Criteria: Ambry Variant Classification Scheme 2023. Collection method: clinical testing. Allele origin: germline.

Eurofins Ntd Llc (ga)
Classification: Uncertain significance. Last evaluated: 2015-04-09. Review status: criteria provided, single submitter. Criteria: EGL Classification Definitions 2015. Collection method: clinical testing. Allele origin: germline. Observed: 2 variant alleles, 2 heterozygotes.

PreventionGenetics, part of Exact Sciences
Classification: Likely benign for TTN-related condition. Last evaluated: 2019-02-20. Review status: no assertion criteria provided. Collection method: clinical testing. Allele origin: germline. Not counted in ClinVar's aggregate classification.
Comment: This variant is classified as likely benign based on ACMG/AMP sequence variant interpretation guidelines (Richards et al. 2015 PMID: 25741868, with internal and published modifications).